The following is an entry in ClinVar:

NM_002474.3(MYH11):c.3026G>C (p.Ser1009Thr)

Gene: MYH11 (myosin heavy chain 11; minus strand). Cytogenetic location: 16p13.11.
Variant type: single nucleotide variant.
Coding change: c.3026G>C on transcript NM_002474.3 (MANE Select); coding-DNA position 3026, G replaced by C.
Protein change: p.Ser1009Thr; replaces serine 1009 with threonine.
Molecular consequence: missense variant.
Genome position (GRCh38, 1-based): chr16:15,738,660, C>G on the plus strand (G>C on the coding strand, the complement: MYH11 is on the minus strand). VCF-style: chr16-15738660-C-G. GRCh37 (hg19) VCF-style: chr16-15832517-C-G.
Other names: c.3047G>C, p.Ser1016Thr (NM_001040113.2, NM_001040114.2); c.3026G>C, p.Ser1009Thr (NM_022844.3); short protein forms S1016T, S1009T.
Identifiers: ClinVar variation 2773831 (VCV002773831.2), dbSNP rs2041190293, ClinGen allele CA394864013.

ClinVar aggregate classification (germline): Uncertain significance (1 of 4 stars; one submission).

Conditions:
Familial thoracic aortic aneurysm and aortic dissection (TAAD). Also called: Thoracic aortic aneurysms and dissections. Identifiers: Orphanet 91387, MedGen C4707243, MONDO:0019625.

Allele frequency attached by ClinVar (database versions not stated): TOPMed below 0.00001; gnomAD exomes 0.00001.
gnomAD v4.1: 5 of 1,614,010 alleles (0.00031%); highest among the groups gnomAD compares: Non-Finnish European, 0.00042%; no homozygotes.

Submission:

Color Diagnostics, LLC DBA Color Health
Classification: Uncertain significance for Familial thoracic aortic aneurysm and aortic dissection. Last evaluated: 2024-03-07. Review status: criteria provided, single submitter. Criteria: ACMG Guidelines, 2015. Collection method: clinical testing. Allele origin: germline.
Comment: This missense variant replaces serine with threonine at codon 1016 of the MYH11 protein. Computational prediction suggests that this variant may not impact protein structure and function (internally defined REVEL score threshold <= 0.5, PMID: 27666373). To our knowledge, functional studies have not been reported for this variant. This variant has not been reported in individuals affected with cardiovascular disorders in the literature. This variant has not been identified in the general population by the Genome Aggregation Database (gnomAD). The available evidence is insufficient to determine the role of this variant in disease conclusively. Therefore, this variant is classified as a Variant of Uncertain Significance.